The following is an entry in ClinVar:

NM_001364171.2(ODAD1):c.608A>C (p.His203Pro)

Gene: ODAD1 (outer dynein arm docking complex subunit 1; minus strand). Cytogenetic location: 19q13.33.
Variant type: single nucleotide variant.
Coding change: c.608A>C on transcript NM_001364171.2 (MANE Select); coding-DNA position 608, A replaced by C.
Protein change: p.His203Pro; replaces histidine 203 with proline.
Molecular consequence: missense variant.
Genome position (GRCh38, 1-based): chr19:48,306,313, T>G on the plus strand (A>C on the coding strand, the complement: ODAD1 is on the minus strand). VCF-style: chr19-48306313-T-G. GRCh37 (hg19) VCF-style: chr19-48809570-T-G.
Other names: c.497A>C, p.His166Pro (NM_144577.4); short protein forms H203P, H166P.
Identifiers: ClinVar variation 573781 (VCV000573781.8), dbSNP rs1569006344, ClinGen allele CA406662861.

ClinVar aggregate classification (germline): Uncertain significance. Review status: criteria provided, multiple submitters, no conflicts (2 of 4 stars). 2 submissions from 2 submitters: Uncertain significance (2). Last evaluated 2025-09-06.

Conditions:
Primary ciliary dyskinesia. Also called: Ciliary dyskinesia. Identifiers: Orphanet 244, MedGen C0008780, MONDO:0016575, HP:0012265.

Allele frequency attached by ClinVar (database versions not stated): TOPMed below 0.00001; gnomAD exomes 0.00001.

Submissions (2):

Ambry Genetics
Classification: Uncertain significance for Primary ciliary dyskinesia. Last evaluated: 2025-09-06. Review status: criteria provided, single submitter. Criteria: Ambry Variant Classification Scheme 2023. Collection method: clinical testing. Allele origin: germline.
Comment: The p.H166P variant (also known as c.497A>C), located in coding exon 5 of the CCDC114 gene, results from an A to C substitution at nucleotide position 497. The histidine at codon 166 is replaced by proline, an amino acid with similar properties. This amino acid position is conserved. In addition, this alteration is predicted to be tolerated by in silico analysis. Based on the available evidence, the clinical significance of this variant remains unclear.

Labcorp Genetics (formerly Invitae), Labcorp
Classification: Uncertain significance for Primary ciliary dyskinesia. Last evaluated: 2021-09-01. Review status: criteria provided, single submitter. Criteria: Invitae Variant Classification Sherloc (09022015). Collection method: clinical testing. Allele origin: germline.
Comment: This sequence change replaces histidine with proline at codon 166 of the CCDC114 protein (p.His166Pro). The histidine residue is weakly conserved and there is a moderate physicochemical difference between histidine and proline. This variant is not present in population databases (ExAC no frequency). This variant has not been reported in the literature in individuals affected with CCDC114-related conditions. Algorithms developed to predict the effect of missense changes on protein structure and function are either unavailable or do not agree on the potential impact of this missense change (SIFT: "Tolerated"; PolyPhen-2: "Possibly Damaging"; Align-GVGD: "Class C0"). In summary, the available evidence is currently insufficient to determine the role of this variant in disease. Therefore, it has been classified as a Variant of Uncertain Significance.